The following is an entry in ClinVar:

NM_004655.4(AXIN2):c.2177A>T (p.His726Leu)

Gene: AXIN2 (axin 2; minus strand). Cytogenetic location: 17q24.1.
Variant type: single nucleotide variant.
Coding change: c.2177A>T on transcript NM_004655.4 (MANE Select); coding-DNA position 2177, A replaced by T.
Protein change: p.His726Leu; replaces histidine 726 with leucine.
Molecular consequence: missense variant.
Genome position (GRCh38, 1-based): chr17:65,535,686, T>A on the plus strand (A>T on the coding strand, the complement: AXIN2 is on the minus strand). VCF-style: chr17-65535686-T-A. GRCh37 (hg19) VCF-style: chr17-63531804-T-A.
Other names: c.1982A>T, p.His661Leu (NM_001363813.1); short protein forms H726L, H661L.
Identifiers: ClinVar variation 1477979 (VCV001477979.11), dbSNP rs2043900433, ClinGen allele CA400675806.

ClinVar aggregate classification (germline): Uncertain significance. Review status: criteria provided, multiple submitters, no conflicts (2 of 4 stars). 2 submissions from 2 submitters: Uncertain significance (2). Last evaluated 2025-12-03.

Conditions:
Hereditary cancer-predisposing syndrome. Also called: Tumor predisposition; Hereditary Cancer Syndrome; Hereditary neoplastic syndrome; Neoplastic Syndromes, Hereditary. Identifiers: Orphanet 140162, MedGen C0027672, MeSH D009386, MONDO:0015356.
Oligodontia-cancer predisposition syndrome. Also called: TOOTH AGENESIS-COLORECTAL CANCER SYNDROME. Identifiers: Orphanet 300576, MedGen C1837750, MONDO:0012075, OMIM 608615. Disease mechanism: loss of function.

Submissions (2):

Ambry Genetics
Classification: Uncertain significance for Hereditary cancer-predisposing syndrome. Last evaluated: 2025-12-03. Review status: criteria provided, single submitter. Criteria: Ambry Variant Classification Scheme 2023. Collection method: clinical testing. Allele origin: germline.
Comment: The p.H726L variant (also known as c.2177A>T), located in coding exon 8 of the AXIN2 gene, results from an A to T substitution at nucleotide position 2177. The histidine at codon 726 is replaced by leucine, an amino acid with similar properties. This amino acid position is conserved. In addition, the in silico prediction for this alteration is inconclusive. Based on the available evidence, the clinical significance of this variant remains unclear.

Labcorp Genetics (formerly Invitae), Labcorp
Classification: Uncertain significance for Oligodontia-cancer predisposition syndrome. Last evaluated: 2025-02-05. Review status: criteria provided, single submitter. Criteria: Invitae Variant Classification Sherloc (09022015). Collection method: clinical testing. Allele origin: germline.
Comment: This sequence change replaces histidine, which is basic and polar, with leucine, which is neutral and non-polar, at codon 726 of the AXIN2 protein (p.His726Leu). This variant is not present in population databases (gnomAD no frequency). This variant has not been reported in the literature in individuals affected with AXIN2-related conditions. ClinVar contains an entry for this variant (Variation ID: 1477979). An algorithm developed to predict the effect of missense changes on protein structure and function (PolyPhen-2) suggests that this variant is likely to be disruptive. In summary, the available evidence is currently insufficient to determine the role of this variant in disease. Therefore, it has been classified as a Variant of Uncertain Significance.